The following is an entry in ClinVar:

ClinVar aggregate classification (germline): Likely benign. Review status: criteria provided, multiple submitters, no conflicts (2 of 4 stars). 5 submissions from 5 submitters: Likely benign (5). Last evaluated 2025-12-26.

Conditions:
Early-infantile DEE. Also called: Ohtahara syndrome; Early infantile epileptic encephalopathy; Early infantile epileptic encephalopathy with suppression bursts. Identifiers: Orphanet 1934, MedGen C0393706, MONDO:0800491.
Inborn genetic diseases. Identifiers: MedGen C0950123, MeSH D030342.

Allele frequency attached by ClinVar (database versions not stated): gnomAD exomes 0.00006 and 0.00012; ExAC 0.00011; ESP Exome Variant Server 0.00031; gnomAD 0.00039 and 0.00043; TOPMed 0.00042.
gnomAD v4.1: 143 of 1,614,016 alleles (0.0089%); highest among the groups gnomAD compares: African/African-American, 0.16%; no homozygotes.

Submissions (5):

Labcorp Genetics (formerly Invitae), Labcorp
Classification: Likely benign for Early-infantile DEE. Last evaluated: 2025-12-26. Review status: criteria provided, single submitter. Criteria: Invitae Variant Classification Sherloc (09022015). Collection method: clinical testing. Allele origin: germline.

Ambry Genetics
Classification: Likely benign for Inborn genetic diseases. Last evaluated: 2023-02-15. Review status: criteria provided, single submitter. Criteria: Ambry Variant Classification Scheme 2023. Collection method: clinical testing. Allele origin: germline.

Blueprint Genetics
Classification: Likely benign. Last evaluated: 2020-07-22. Review status: criteria provided, single submitter. Criteria: ACMG Guidelines, 2015. Collection method: clinical testing. Allele origin: germline.

Athena Diagnostics
Classification: Likely benign. Last evaluated: 2017-12-27. Review status: criteria provided, single submitter. Criteria: Athena Diagnostics Criteria. Collection method: clinical testing. Allele origin: germline.

GeneDx
Classification: Likely benign. Last evaluated: 2016-06-09. Review status: criteria provided, single submitter. Criteria: GeneDx Variant Classification (06012015). Collection method: clinical testing. Allele origin: germline. Affected: yes.
Comment: This variant is considered likely benign or benign based on one or more of the following criteria: it is a conservative change, it occurs at a poorly conserved position in the protein, it is predicted to be benign by multiple in silico algorithms, and/or has population frequency not consistent with disease.

NM_001130438.3(SPTAN1):c.2324C>T (p.Ala775Val)

Gene: SPTAN1 (spectrin alpha, non-erythrocytic 1; plus strand). Cytogenetic location: 9q34.11.
Variant type: single nucleotide variant.
Coding change: c.2324C>T on transcript NM_001130438.3 (MANE Select); coding-DNA position 2324, C replaced by T.
Protein change: p.Ala775Val; replaces alanine 775 with valine.
Molecular consequence: missense variant.
Genome position (GRCh38, 1-based): chr9:128,584,412, C>T. VCF-style: chr9-128584412-C-T. GRCh37 (hg19) VCF-style: chr9-131346691-C-T.
Other names: c.2324C>T, p.Ala775Val (NM_001195532.2, NM_001363759.2, NM_001363765.2 and 1 more transcripts); short protein forms A775V.
Identifiers: ClinVar variation 380742 (VCV000380742.19), dbSNP rs144649618, ClinGen allele CA5264615.
Genomic context (GRCh38, chr9:128,584,412, plus strand): 5'-TCAAGAAGAAACAGGAAGCCCTCGTGGCTCGCTATGAGGCACTCAAGGAGCCCATGGTTG[C>T]CCGGAAGCAGAAGCTGGCCGATTCTCTGCGGTTGCAGCAGCTCTTCCGGGATGTTGAGGA-3'
Protein context (NP_001123910.1, residues 765-785): RYEALKEPMV[Ala775Val]RKQKLADSLR